The following is an entry in ClinVar:

ClinVar aggregate classification (germline): Likely pathogenic (1 of 4 stars; one submission).

Conditions:
Choroideremia. Also called: Chorioretinal scalloped atrophy. Identifiers: Orphanet 180, MedGen C0008525, MONDO:0010557, OMIM 303100, HP:0001139.

Submission:

Myriad Genetics, Inc.
Classification: Likely pathogenic for Choroideremia. Last evaluated: 2022-03-21. Review status: criteria provided, single submitter. Criteria: Myriad Women's Health Autosomal Recessive and X-Linked Classification Criteria (2021). Collection method: clinical testing. Allele origin: unknown.
Comment: NM_000390.2(CHM):c.70_71ins7(A24Efs*17) is expected to be pathogenic in the context of choroideremia. This variant is predicted to lead to an abnormal or absent protein product due to the creation of a premature termination codon in CHM, a gene where loss-of-function variants are known to be pathogenic. Please note: this variant was assessed in the context of healthy population screening.

NM_000390.4(CHM):c.70_71insAGACAGT (p.Ala24fs)

Gene: CHM (CHM Rab escort protein; minus strand). Cytogenetic location: Xq21.2.
Variant type: Insertion.
Coding change: c.70_71insAGACAGT on transcript NM_000390.4 (MANE Select); coding-DNA positions 70 to 71, AGACAGT inserted.
Protein change: p.Ala24fs; shifts the reading frame from alanine 24.
Molecular consequence: frameshift variant. On other transcripts: 5 prime UTR variant (4).
Genome position: GRCh38 VCF-style: chrX-86027536-G-GACTGTCT. GRCh37 (hg19) VCF-style: chrX-85282540-G-GACTGTCT.
Other names: c.70_71insAGACAGT, p.Ala24fs (NM_001145414.4); c.-375_-374insAGACAGT (NM_001320959.1, NM_001362517.1); c.-371_-370insAGACAGT (NM_001362518.2, NM_001362519.1); short protein forms A24fs.
Identifiers: ClinVar variation 1725429 (VCV001725429.2), dbSNP rs2520866393, ClinGen allele CA2580102036.